The following is an entry in ClinVar:

NM_001001480.3(KRTAP5-5):c.528C>A (p.Ser176=)

Gene: KRTAP5-5 (keratin associated protein 5-5; plus strand). Cytogenetic location: 11p15.5.
Variant type: single nucleotide variant.
Coding change: c.528C>A on transcript NM_001001480.3 (MANE Select); coding-DNA position 528, C replaced by A.
Protein change: p.Ser176=; no amino-acid change (serine 176 retained).
Molecular consequence: synonymous variant.
Genome position (GRCh38, 1-based): chr11:1,630,368, C>A. VCF-style: chr11-1630368-C-A. GRCh37 (hg19) VCF-style: chr11-1651598-C-A.
Identifiers: ClinVar variation 4085443 (VCV004085443.8).
Genomic context (GRCh38, chr11:1,630,368, plus strand): 5'-GTCCAGCTGCTGCAAGCCCTGCTGCTGCTCCTCAGGCTGTGGGTCATCCTGCTGCCAGTC[C>A]AGCTGCTGTAAGCCTTACTGCTGCCAGTCCAGCTGCTGTAAGCCCTACTGCTGCCAGTCC-3'
Protein context (NP_001001480.2, residues 166-186): SSGCGSSCCQ[Ser176=]SCCKPYCCQS

ClinVar aggregate classification (germline): Likely benign (1 of 4 stars; one submission).

Submission:

CeGaT Center for Human Genetics Tuebingen
Classification: Likely benign. Last evaluated: 2025-08-01. Review status: criteria provided, single submitter. Criteria: CeGaT Center For Human Genetics Tuebingen Variant Classification Criteria Version 2. Collection method: clinical testing. Allele origin: germline. Affected: yes. Observed: 1 variant allele.
Comment: KRTAP5-5: PM2:Supporting, BP4, BP7